The following is an entry in ClinVar:

NM_130810.4(DNAAF4):c.406-2A>G

Genes: DNAAF4 (dynein axonemal assembly factor 4; minus strand), DNAAF4-CCPG1 (DNAAF4-CCPG1 readthrough (NMD candidate); minus strand). Cytogenetic location: 15q21.3.
Variant type: single nucleotide variant.
Coding change: c.406-2A>G on transcript NM_130810.4 (MANE Select); the canonical splice acceptor site of the intron before coding-DNA position 406, A replaced by G.
Molecular consequence: splice acceptor variant.
Genome position (GRCh38, 1-based): chr15:55,467,163, T>C on the plus strand (A>G on the coding strand, the complement: DNAAF4 is on the minus strand). VCF-style: chr15-55467163-T-C. GRCh37 (hg19) VCF-style: chr15-55759361-T-C.
Other names: c.406-2A>G (NM_001033560.2, NM_001033559.3).
Identifiers: ClinVar variation 4991908 (VCV004991908.1).

ClinVar aggregate classification (germline): Likely pathogenic (1 of 4 stars; one submission).

Conditions:
DNAAF4-related disorder. Also called: DNAAF4-related condition.

gnomAD v4.1: 1 of 1,528,188 alleles (0.000065%); no homozygotes.

Submission:

PreventionGenetics, part of Exact Sciences
Classification: Likely pathogenic for DNAAF4-related condition. Last evaluated: 2025-08-29. Review status: criteria provided, single submitter. Criteria: ACMG Guidelines, 2015. Collection method: clinical testing. Allele origin: germline.
Comment: The DNAAF4 c.406-2A>G variant is predicted to disrupt the AG splice acceptor site and interfere with normal splicing. To our knowledge, this variant has not been reported in the literature or in a large population database (gnomAD), indicating this variant is rare. Variants that disrupt the consensus splice acceptor site in DNAAF4 are expected to be pathogenic. This variant is interpreted as likely pathogenic.